The following is an entry in ClinVar:

ClinVar aggregate classification (germline): Benign/Likely benign. Review status: criteria provided, multiple submitters, no conflicts (2 of 4 stars). 13 submissions from 10 submitters: Benign (6); Likely benign (3). 4 of the submissions do not count toward it. Last evaluated 2026-02-01.

Conditions:
Autosomal recessive limb-girdle muscular dystrophy type 2J (LGMDR10). Also called: MUSCULAR DYSTROPHY, LIMB-GIRDLE, AUTOSOMAL RECESSIVE 10; Limb-girdle muscular dystrophy, type 2J. Identifiers: Orphanet 140922, MedGen C1837342, MONDO:0012127, OMIM 608807.
Dilated cardiomyopathy 1G (CMD1G). Identifiers: Orphanet 154, MedGen C1858763, MONDO:0011400, OMIM 604145.
Tibial muscular dystrophy (TMD). Also called: Tibial muscular dystrophy, tardive; Udd Distal Myopathy – Tibial Muscular Dystrophy; UDD MYOPATHY. Identifiers: Orphanet 609, MedGen C1838244, MONDO:0010870, OMIM 600334.
Early-onset myopathy with fatal cardiomyopathy (CMYO5). Also called: CONGENITAL MYOPATHY 5 WITH CARDIOMYOPATHY; Salih Myopathy. Identifiers: Orphanet 289377, MedGen C2673677, MONDO:0012714, OMIM 611705. Disease mechanism: loss of function.
Myopathy, myofibrillar, 9, with early respiratory failure (MFM9). Also called: EDSTROM MYOPATHY; Hereditary myopathy with early respiratory failure; MYOPATHY, PROXIMAL, WITH EARLY RESPIRATORY MUSCLE INVOLVEMENT; Myopathy, distal, with early respiratory failure, autosomal dominant. Identifiers: Orphanet 178464, Orphanet 34521, MedGen C1863599, MONDO:0011362, OMIM 603689.

Allele frequency attached by ClinVar (database versions not stated): gnomAD 0.00061; 1000 Genomes Project 30x 0.00062; 1000 Genomes Project 0.00080; ExAC 0.00083; gnomAD exomes 0.00087; TOPMed 0.00089; ESP Exome Variant Server 0.00108.
gnomAD v4.1: 1,985 of 1,571,228 alleles (0.13%); highest among the groups gnomAD compares: Non-Finnish European, 0.16%; 2 homozygotes.

Submissions (13):

Labcorp Genetics (formerly Invitae), Labcorp
Classification: Likely benign for Dilated cardiomyopathy 1G; Autosomal recessive limb-girdle muscular dystrophy type 2J. Last evaluated: 2026-02-01. Review status: criteria provided, single submitter. Criteria: Invitae Variant Classification Sherloc (09022015). Collection method: clinical testing. Allele origin: germline.

Blueprint Genetics
Classification: Likely benign. Last evaluated: 2024-11-25. Review status: criteria provided, single submitter. Criteria: ACMG Guidelines, 2015. Collection method: clinical testing. Allele origin: germline.

ARUP Laboratories, Molecular Genetics and Genomics, ARUP Laboratories
Classification: Likely benign. Last evaluated: 2024-08-15. Review status: criteria provided, single submitter. Criteria: ARUP Molecular Germline Variant Investigation Process 2024. Collection method: clinical testing. Allele origin: germline.

Genome-Nilou Lab
Classification: Benign for Autosomal recessive limb-girdle muscular dystrophy type 2J. Last evaluated: 2021-09-10. Review status: criteria provided, single submitter. Criteria: ACMG Guidelines, 2015. Collection method: clinical testing. Allele origin: germline. Affected: no.

Genome-Nilou Lab
Classification: Benign for Myopathy, myofibrillar, 9, with early respiratory failure. Last evaluated: 2021-09-10. Review status: criteria provided, single submitter. Criteria: ACMG Guidelines, 2015. Collection method: clinical testing. Allele origin: germline. Affected: no.

Genome-Nilou Lab
Classification: Benign for Early-onset myopathy with fatal cardiomyopathy. Last evaluated: 2021-09-10. Review status: criteria provided, single submitter. Criteria: ACMG Guidelines, 2015. Collection method: clinical testing. Allele origin: germline. Affected: no.

Genome-Nilou Lab
Classification: Benign for Tibial muscular dystrophy. Last evaluated: 2021-09-10. Review status: criteria provided, single submitter. Criteria: ACMG Guidelines, 2015. Collection method: clinical testing. Allele origin: germline. Affected: no.

Women's Health and Genetics/Laboratory Corporation of America, LabCorp
Classification: Benign. Last evaluated: 2021-06-21. Review status: criteria provided, single submitter. Criteria: LabCorp Variant Classification Summary - May 2015. Collection method: clinical testing. Allele origin: germline.
Comment: Variant summary: TTN c.9703+17T>A alters a nucleotide located close to a canonical splice site and therefore could affect mRNA splicing, leading to a significantly altered protein sequence. 4/4 computational tools predict no significant impact on normal splicing. However, these predictions have yet to be confirmed by functional studies. The variant allele was found at a frequency of 0.00087 in 251034 control chromosomes, predominantly at a frequency of 0.0014 within the Non-Finnish European subpopulation in the gnomAD database. The observed variant frequency within Non-Finnish European control individuals in the gnomAD database is approximately 3.58 fold of the estimated maximal expected allele frequency for a pathogenic variant in TTN causing Dilated Cardiomyopathy phenotype (0.00039), strongly suggesting that the variant is a benign polymorphism found primarily in populations of Non-Finnish European origin. To our knowledge, no occurrence of c.9703+17T>A in individuals affected with Dilated Cardiomyopathy and no experimental evidence demonstrating its impact on protein function have been reported. No clinical diagnostic laboratories have submitted clinical-significance assessments for this variant to ClinVar after 2014. Based on the evidence outlined above, the variant was classified as benign.

GeneDx
Classification: Benign. Last evaluated: 2014-09-19. Review status: criteria provided, single submitter. Criteria: GeneDx Variant Classification (06012015). Collection method: clinical testing. Allele origin: germline. Affected: yes.
Comment: This variant is considered likely benign or benign based on one or more of the following criteria: it is a conservative change, it occurs at a poorly conserved position in the protein, it is predicted to be benign by multiple in silico algorithms, and/or has population frequency not consistent with disease.

Clinical Genetics DNA and cytogenetics Diagnostics Lab, Erasmus MC, Erasmus Medical Center
Classification: Benign. Review status: no assertion criteria provided. Collection method: clinical testing. Allele origin: germline. Affected: yes. Study: VKGL Data-share Consensus. Not counted in ClinVar's aggregate classification.

Clinical Genetics, Academic Medical Center
Classification: Benign. Review status: no assertion criteria provided. Collection method: clinical testing. Allele origin: germline. Affected: yes. Study: VKGL Data-share Consensus. Not counted in ClinVar's aggregate classification.

Diagnostic Laboratory, Department of Genetics, University Medical Center Groningen
Classification: Likely benign. Review status: no assertion criteria provided. Collection method: clinical testing. Allele origin: germline. Affected: yes. Study: VKGL Data-share Consensus. Not counted in ClinVar's aggregate classification.

Genome Diagnostics Laboratory, University Medical Center Utrecht
Classification: Likely benign. Review status: no assertion criteria provided. Collection method: clinical testing. Allele origin: germline. Affected: yes. Study: VKGL Data-share Consensus. Not counted in ClinVar's aggregate classification.

NM_001267550.2(TTN):c.9703+17T>A

Gene: TTN (titin; minus strand). Cytogenetic location: 2q31.2.
Variant type: single nucleotide variant.
Coding change: c.9703+17T>A on transcript NM_001267550.2 (MANE Select); 17 bases into the intron after coding-DNA position 9703, T replaced by A.
Molecular consequence: intron variant.
Genome position (GRCh38, 1-based): chr2:178,766,364, A>T on the plus strand (T>A on the coding strand, the complement: TTN is on the minus strand). VCF-style: chr2-178766364-A-T. GRCh37 (hg19) VCF-style: chr2-179631091-A-T.
Other names: c.9565+17T>A (NM_003319.4, NM_133437.4, NM_133432.3); c.9703+17T>A (NM_133378.4, NM_001256850.1, NM_133379.5).
Identifiers: ClinVar variation 202288 (VCV000202288.24), dbSNP rs377693857, ClinGen allele CA308984.
Genomic context (GRCh38, chr2:178,766,364, plus strand): 5'-ACAAGAATTTAGTGACTTAAACAGGAGGATTATTTCTGATGGATCCACAAAATATGCTGA[A>T]ATCTGTCCCTACATACCATTGACATAGAGAGTGACAGAACTCCTGTTCCTTCCTGCCACA-3'